The following is an entry in ClinVar:

NM_024334.3(TMEM43):c.892C>G (p.His298Asp)

Gene: TMEM43 (transmembrane protein 43; plus strand). Cytogenetic location: 3p25.1.
Variant type: single nucleotide variant.
Coding change: c.892C>G on transcript NM_024334.3 (MANE Select); coding-DNA position 892, C replaced by G.
Protein change: p.His298Asp; replaces histidine 298 with aspartic acid.
Molecular consequence: missense variant.
Genome position (GRCh38, 1-based): chr3:14,139,189, C>G. VCF-style: chr3-14139189-C-G. GRCh37 (hg19) VCF-style: chr3-14180689-C-G.
Other names: short protein forms H298D.
Identifiers: ClinVar variation 629504 (VCV000629504.5), dbSNP rs1559363073, ClinGen allele CA351536095.

ClinVar aggregate classification (germline): Uncertain significance. Review status: criteria provided, multiple submitters, no conflicts (2 of 4 stars). 2 submissions from 2 submitters: Uncertain significance (2). Last evaluated 2024-03-06.

Conditions:
Arrhythmogenic right ventricular dysplasia 5. Also called: Arrhythmogenic Right Ventricular Dysplasia/Cardiomyopathy 5; ARRHYTHMOGENIC RIGHT VENTRICULAR DYSPLASIA, FAMILIAL, 5. Identifiers: MedGen C1858379, MONDO:0011459, OMIM 604400.
Cardiomyopathy (CMYO). Also called: Cardiomyopathies. Identifiers: Orphanet 167848, MedGen C0878544, MONDO:0004994, HP:0001638. Inheritance: Various modes of inheritance.

Allele frequency attached by ClinVar (database versions not stated): gnomAD exomes below 0.00001.
gnomAD v4.1: 1 of 1,613,818 alleles (0.000062%); highest among the groups gnomAD compares: Non-Finnish European, 0.000085%; no homozygotes.

Submissions (2):

Color Diagnostics, LLC DBA Color Health
Classification: Uncertain significance for Cardiomyopathy. Last evaluated: 2024-03-06. Review status: criteria provided, single submitter. Criteria: ACMG Guidelines, 2015. Collection method: clinical testing. Allele origin: germline.
Comment: This missense variant replaces histidine with aspartic acid at codon 298 of the TMEM43 protein. Computational prediction suggests that this variant may not impact protein structure and function (internally defined REVEL score threshold <= 0.5, PMID: 27666373). To our knowledge, functional studies have not been reported for this variant. This variant has not been reported in individuals affected with TMEM43-related disorders in the literature. This variant has not been identified in the general population by the Genome Aggregation Database (gnomAD). The available evidence is insufficient to determine the role of this variant in disease conclusively. Therefore, this variant is classified as a Variant of Uncertain Significance.

All of Us Research Program, National Institutes of Health
Classification: Uncertain significance for Arrhythmogenic right ventricular dysplasia 5. Last evaluated: 2023-08-28. Review status: criteria provided, single submitter. Criteria: ACMG Guidelines, 2015. Collection method: clinical testing. Allele origin: germline. Inheritance: Autosomal dominant inheritance. Observed: 3 variant alleles, 3 heterozygotes.
Comment: Variant of Uncertain Significance due to insufficient evidence: This missense variant is located in the cytoplasmic domain of the TMEM43 protein. Computational prediction tools and conservation analyses suggest that this variant may not impact the protein function. Computational splicing tools suggest that this variant may not impact RNA splicing. To our knowledge, functional assays have not been performed for this variant nor has this variant been reported in individuals affected with cardiovascular disorders in the literature. This variant is rare in the general population and has been identified in 0/277264 chromosomes by the Genome Aggregation Database (gnomAD). Available evidence is insufficient to determine the pathogenicity of this variant conclusively.

This study involves interpretation of variants in research participants for the purpose of population health screening. Participant phenotype was not available at the time of variant classification. Additional details can be found in publication PMID: 35346344, PMCID: PMC8962531